The following is an entry in ClinVar:

NM_001258392.3(CLPB):c.1167+6T>C

Genes: CLPB (ClpB family mitochondrial disaggregase; minus strand), LOC126861258 (MED14-independent group 3 enhancer GRCh37_chr11:72012242-72013441; plus strand). Cytogenetic location: 11q13.4.
Variant type: single nucleotide variant.
Coding change: c.1167+6T>C on transcript NM_001258392.3 (MANE Select); 6 bases into the intron after coding-DNA position 1167, T replaced by C.
Molecular consequence: intron variant.
Genome position (GRCh38, 1-based): chr11:72,302,298, A>G on the plus strand (T>C on the coding strand, the complement: CLPB is on the minus strand). VCF-style: chr11-72302298-A-G. GRCh37 (hg19) VCF-style: chr11-72013342-A-G.
Other names: c.1080+6T>C (NM_001258393.3); c.1257+6T>C (NM_030813.6); c.1122+6T>C (NM_001258394.3).
Identifiers: ClinVar variation 1020252 (VCV001020252.7), dbSNP rs748976093, ClinGen allele CA6171247.

ClinVar aggregate classification (germline): Uncertain significance (1 of 4 stars; one submission).

Conditions:
3-methylglutaconic aciduria, type VIIB (MGCA7B). Also called: 3-methylglutaconic aciduria with cataracts, neurologic involvement and neutropenia; 3-methylglutaconic aciduria, type VII, with cataracts, neurologic involvement and neutropenia; CLPB Deficiency. Identifiers: Orphanet 445038, MedGen C5676893, MONDO:0014561, OMIM 616271.

Allele frequency attached by ClinVar (database versions not stated): gnomAD exomes below 0.00001 and 0.00001; ExAC 0.00001.
gnomAD v4.1: 2 of 1,613,794 alleles (0.00012%); highest among the groups gnomAD compares: Middle Eastern, 0.016%; no homozygotes.

Submission:

Labcorp Genetics (formerly Invitae), Labcorp
Classification: Uncertain significance for 3-methylglutaconic aciduria, type VIIB. Last evaluated: 2023-07-07. Review status: criteria provided, single submitter. Criteria: Invitae Variant Classification Sherloc (09022015). Collection method: clinical testing. Allele origin: germline.
Comment: In summary, the available evidence is currently insufficient to determine the role of this variant in disease. Therefore, it has been classified as a Variant of Uncertain Significance. Variants that disrupt the consensus splice site are a relatively common cause of aberrant splicing (PMID: 17576681, 9536098). Algorithms developed to predict the effect of sequence changes on RNA splicing suggest that this variant is not likely to affect RNA splicing. ClinVar contains an entry for this variant (Variation ID: 1020252). This variant has not been reported in the literature in individuals affected with CLPB-related conditions. This variant is present in population databases (rs748976093, gnomAD 0.002%). This sequence change falls in intron 11 of the CLPB gene. It does not directly change the encoded amino acid sequence of the CLPB protein. It affects a nucleotide within the consensus splice site.

Literature cited by the submitters: PubMed 17576681; PubMed 9536098.